The following is an entry in ClinVar:

NM_001369.3(DNAH5):c.8448+3A>G

Gene: DNAH5 (dynein axonemal heavy chain 5; minus strand). Cytogenetic location: 5p15.2.
Variant type: single nucleotide variant.
Coding change: c.8448+3A>G on transcript NM_001369.3 (MANE Select); 3 bases into the intron after coding-DNA position 8448, A replaced by G.
Molecular consequence: intron variant.
Genome position (GRCh38, 1-based): chr5:13,791,991, T>C on the plus strand (A>G on the coding strand, the complement: DNAH5 is on the minus strand). VCF-style: chr5-13791991-T-C. GRCh37 (hg19) VCF-style: chr5-13792100-T-C.
Identifiers: ClinVar variation 4806834 (VCV004806834.1).

ClinVar aggregate classification (germline): Uncertain significance (1 of 4 stars; one submission).

Conditions:
Primary ciliary dyskinesia. Also called: Ciliary dyskinesia. Identifiers: Orphanet 244, MedGen C0008780, MONDO:0016575, HP:0012265.

Submission:

Labcorp Genetics (formerly Invitae), Labcorp
Classification: Uncertain significance for Primary ciliary dyskinesia. Last evaluated: 2025-07-28. Review status: criteria provided, single submitter. Criteria: Invitae Variant Classification Sherloc (09022015). Collection method: clinical testing. Allele origin: germline.
Comment: This sequence change falls in intron 50 of the DNAH5 gene. It does not directly change the encoded amino acid sequence of the DNAH5 protein. It affects a nucleotide within the consensus splice site. This variant is not present in population databases (gnomAD no frequency). This variant has not been reported in the literature in individuals affected with DNAH5-related conditions. Variants that disrupt the consensus splice site are a relatively common cause of aberrant splicing (PMID: 17576681, 9536098). Algorithms developed to predict the effect of sequence changes on RNA splicing suggest that this variant is not likely to affect RNA splicing. In summary, the available evidence is currently insufficient to determine the role of this variant in disease. Therefore, it has been classified as a Variant of Uncertain Significance.

Literature cited by the submitters: PubMed 17576681; PubMed 9536098.